The following is an entry in ClinVar:

NM_015047.3(EMC1):c.2964G>C (p.Leu988=)

Genes: EMC1 (ER membrane protein complex subunit 1; minus strand), EMC1-AS1 (EMC1 antisense RNA 1; plus strand). Cytogenetic location: 1p36.13.
Variant type: single nucleotide variant.
Coding change: c.2964G>C on transcript NM_015047.3 (MANE Select); coding-DNA position 2964, G replaced by C.
Protein change: p.Leu988=; no amino-acid change (leucine 988 retained).
Molecular consequence: synonymous variant.
Genome position (GRCh38, 1-based): chr1:19,219,321, C>G on the plus strand (G>C on the coding strand, the complement: EMC1 is on the minus strand). VCF-style: chr1-19219321-C-G. GRCh37 (hg19) VCF-style: chr1-19545815-C-G.
Other names: c.2964G>C (NM_015047.2); c.2961G>C, p.Leu987= (NM_001271427.2, NM_001271428.2); c.2898G>C, p.Leu966= (NM_001271429.2); c.2973G>C, p.Leu991= (NM_001375820.1); c.2970G>C, p.Leu990= (NM_001375821.1).
Identifiers: ClinVar variation 2504057 (VCV002504057.4), dbSNP rs764704020, ClinGen allele CA18808011.

ClinVar aggregate classification (germline): Likely benign. Review status: criteria provided, multiple submitters, no conflicts (2 of 4 stars). 2 submissions from 2 submitters: Likely benign (2). Last evaluated 2025-03-13.

Allele frequency attached by ClinVar (database versions not stated): gnomAD exomes 0.00005.
gnomAD v4.1: 31 of 1,614,110 alleles (0.0019%); highest among the groups gnomAD compares: Middle Eastern, 0.51%; 3 homozygotes.

Submissions (2):

Labcorp Genetics (formerly Invitae), Labcorp
Classification: Likely benign. Last evaluated: 2025-03-13. Review status: criteria provided, single submitter. Criteria: Invitae Variant Classification Sherloc (09022015). Collection method: clinical testing. Allele origin: germline.

Women's Health and Genetics/Laboratory Corporation of America, LabCorp
Classification: Likely benign. Last evaluated: 2023-04-06. Review status: criteria provided, single submitter. Criteria: LabCorp Variant Classification Summary - May 2015. Collection method: clinical testing. Allele origin: germline.
Comment: Variant summary: KIAA0090 c.2964G>C alters a non-conserved nucleotide resulting in a synonymous change. 4/4 computational tools predict no significant impact on normal splicing. However, these predictions have yet to be confirmed by functional studies. The variant was absent in 251452 control chromosomes. The available data on variant occurrences in the general population are insufficient to allow any conclusion about variant significance. To our knowledge, no occurrence of c.2964G>C in individuals affected with Cerebellar Atrophy, Visual Impairment, And Psychomotor Retardation and no experimental evidence demonstrating its impact on protein function have been reported. No clinical diagnostic laboratories have submitted clinical-significance assessments for this variant to ClinVar after 2014. Based on the evidence outlined above, the variant was classified as likely benign.